The following is an entry in ClinVar:

NM_022915.5(MRPL44):c.409C>G (p.Leu137Val)

Gene: MRPL44 (mitochondrial ribosomal protein L44; plus strand). Cytogenetic location: 2q36.1.
Variant type: single nucleotide variant.
Coding change: c.409C>G on transcript NM_022915.5 (MANE Select); coding-DNA position 409, C replaced by G.
Protein change: p.Leu137Val; replaces leucine 137 with valine.
Molecular consequence: missense variant.
Genome position (GRCh38, 1-based): chr2:223,959,763, C>G. VCF-style: chr2-223959763-C-G. GRCh37 (hg19) VCF-style: chr2-224824480-C-G.
Other names: c.409C>G (NM_022915.3); short protein forms L137V.
Identifiers: ClinVar variation 2053366 (VCV002053366.5), dbSNP rs749615621, ClinGen allele CA2139048.

ClinVar aggregate classification (germline): Uncertain significance. Review status: criteria provided, multiple submitters, no conflicts (2 of 4 stars). 2 submissions from 2 submitters: Uncertain significance (2). Last evaluated 2025-06-11.

Conditions:
Inborn genetic diseases. Identifiers: MedGen C0950123, MeSH D030342.

Allele frequency attached by ClinVar (database versions not stated): gnomAD 0.00001; ExAC 0.00002; gnomAD exomes below 0.00001; TOPMed below 0.00001.
gnomAD v4.1: 8 of 1,614,078 alleles (0.0005%); highest among the groups gnomAD compares: Admixed American, 0.012%; no homozygotes.

Submissions (2):

Ambry Genetics
Classification: Uncertain significance for Inborn genetic diseases. Last evaluated: 2025-06-11. Review status: criteria provided, single submitter. Criteria: Ambry Variant Classification Scheme 2023. Collection method: clinical testing. Allele origin: germline.

Labcorp Genetics (formerly Invitae), Labcorp
Classification: Uncertain significance. Last evaluated: 2024-11-11. Review status: criteria provided, single submitter. Criteria: Invitae Variant Classification Sherloc (09022015). Collection method: clinical testing. Allele origin: germline.
Comment: This sequence change replaces leucine, which is neutral and non-polar, with valine, which is neutral and non-polar, at codon 137 of the MRPL44 protein (p.Leu137Val). This variant is present in population databases (rs749615621, gnomAD 0.02%). This variant has not been reported in the literature in individuals affected with MRPL44-related conditions. ClinVar contains an entry for this variant (Variation ID: 2053366). Invitae Evidence Modeling of protein sequence and biophysical properties (such as structural, functional, and spatial information, amino acid conservation, physicochemical variation, residue mobility, and thermodynamic stability) indicates that this missense variant is not expected to disrupt MRPL44 protein function with a negative predictive value of 80%. In summary, the available evidence is currently insufficient to determine the role of this variant in disease. Therefore, it has been classified as a Variant of Uncertain Significance.